The following is an entry in ClinVar:

NM_005633.4(SOS1):c.66A>G (p.Leu22=)

Genes: SOS1 (SOS Ras/Rac guanine nucleotide exchange factor 1; minus strand), LOC129933535 (ATAC-STARR-seq lymphoblastoid silent region 11384; plus strand). Cytogenetic location: 2p22.1.
Variant type: single nucleotide variant.
Coding change: c.66A>G on transcript NM_005633.4 (MANE Select); coding-DNA position 66, A replaced by G.
Protein change: p.Leu22=; no amino-acid change (leucine 22 retained).
Molecular consequence: synonymous variant. On other transcripts: intron variant (1).
Genome position (GRCh38, 1-based): chr2:39,120,357, T>C on the plus strand (A>G on the coding strand, the complement: SOS1 is on the minus strand). VCF-style: chr2-39120357-T-C. GRCh37 (hg19) VCF-style: chr2-39347498-T-C.
Other names: c.66A>G, p.Leu22= (NM_001382395.1); c.66+4307A>G (NM_001382394.1).
Identifiers: ClinVar variation 1594072 (VCV001594072.12), dbSNP rs770539511, ClinGen allele CA1624888.

ClinVar aggregate classification (germline): Likely benign. Review status: criteria provided, multiple submitters, no conflicts (2 of 4 stars). 5 submissions from 4 submitters: Likely benign (5). Last evaluated 2026-09-24.

Conditions:
SOS1-related disorder. Also called: SOS1-related condition.
Fibromatosis, gingival, 1 (GINGF1). Identifiers: Orphanet 2024, MedGen C4551558, MONDO:0007609, OMIM 135300.
Noonan syndrome 4 (NS4). Also called: NOONAN SYNDROME WITH PIGMENTED VILLONODULAR SYNOVITIS; SOS1-Related Noonan Syndrome. Identifiers: Orphanet 648, MedGen C1853120, MONDO:0012547, OMIM 610733.
Cardiovascular phenotype. Identifiers: MedGen CN230736.
RASopathy. Also called: Noonan spectrum disorder; rasopathies. Identifiers: Orphanet 536391, MedGen C5555857, MONDO:0021060.

Allele frequency attached by ClinVar (database versions not stated): gnomAD 0.00003.
gnomAD v4.1: 7 of 1,592,140 alleles (0.00044%); highest among the groups gnomAD compares: African/African-American, 0.0068%; no homozygotes.

Submissions (5):

PreventionGenetics, part of Exact Sciences
Classification: Likely benign for SOS1-related condition. Last evaluated: 2026-09-24. Review status: criteria provided, single submitter. Criteria: ACMG Guidelines, 2015. Collection method: clinical testing. Allele origin: germline.
Comment: This variant is classified as likely benign based on ACMG/AMP sequence variant interpretation guidelines (Richards et al. 2015 PMID: 25741868, with internal and published modifications).

Labcorp Genetics (formerly Invitae), Labcorp
Classification: Likely benign for RASopathy. Last evaluated: 2025-08-24. Review status: criteria provided, single submitter. Criteria: Invitae Variant Classification Sherloc (09022015). Collection method: clinical testing. Allele origin: germline.

Ambry Genetics
Classification: Likely benign for Cardiovascular phenotype. Last evaluated: 2020-09-06. Review status: criteria provided, single submitter. Criteria: Ambry Variant Classification Scheme 2023. Collection method: clinical testing. Allele origin: germline.

Genome-Nilou Lab
Classification: Likely benign for Noonan syndrome 4. Review status: criteria provided, single submitter. Criteria: ACMG Guidelines, 2015. Collection method: clinical testing. Allele origin: germline.

Genome-Nilou Lab
Classification: Likely benign for Fibromatosis, gingival, 1. Review status: criteria provided, single submitter. Criteria: ACMG Guidelines, 2015. Collection method: clinical testing. Allele origin: germline.